The following is an entry in ClinVar:

NM_001355436.2(SPTB):c.4852_4853del (p.Gly1618fs)

Gene: SPTB (spectrin beta, erythrocytic; minus strand). Cytogenetic location: 14q23.3.
Variant type: Deletion.
Coding change: c.4852_4853del on transcript NM_001355436.2 (MANE Select); coding-DNA positions 4852 to 4853, 2 bases deleted (GG; older notation c.4852_4853delGG).
Protein change: p.Gly1618fs; shifts the reading frame from glycine 1618.
Molecular consequence: frameshift variant.
Genome position (GRCh38, 1-based): chr14:64,774,517-64,774,518, CC deleted on the plus strand (GG on the coding strand, the reverse complement: SPTB is on the minus strand); deleting any 2 consecutive bases within chr14:64,774,517-64,774,519 gives the same sequence; the c. name uses the placement nearest the transcript's 3' end. VCF-style (leftmost placement, unchanged base first): chr14-64774516-GCC-G. GRCh37 (hg19) VCF-style: chr14-65241234-GCC-G.
Other names: c.4852_4853del, p.Gly1618fs (NM_001024858.4, NM_001355437.2); short protein forms G1618fs.
Identifiers: ClinVar variation 4729055 (VCV004729055.1).

ClinVar aggregate classification (germline): Pathogenic (1 of 4 stars; one submission).

Submission:

Labcorp Genetics (formerly Invitae), Labcorp
Classification: Pathogenic. Last evaluated: 2025-10-12. Review status: criteria provided, single submitter. Criteria: Invitae Variant Classification Sherloc (09022015). Collection method: clinical testing. Allele origin: germline.
Comment: This sequence change creates a premature translational stop signal (p.Gly1618Argfs*39) in the SPTB gene. It is expected to result in an absent or disrupted protein product. Loss-of-function variants in SPTB are known to be pathogenic (PMID: 1391962, 1498324, 8844207, 26830532, 27292444). This variant is not present in population databases (gnomAD no frequency). This variant has not been reported in the literature in individuals affected with SPTB-related conditions. For these reasons, this variant has been classified as Pathogenic.

Literature cited by the submitters: PubMed 1391962; PubMed 1498324; PubMed 8844207; PubMed 26830532; PubMed 27292444.